The following is an entry in ClinVar:

ClinVar aggregate classification (germline): Benign/Likely benign. Review status: criteria provided, multiple submitters, no conflicts (2 of 4 stars). 17 submissions from 17 submitters: Benign (8); Likely benign (3). 6 of the submissions do not count toward it. Last evaluated 2026-09-01.

Conditions:
Usher syndrome. Also called: Usher Syndromes; Usher's syndrome. Identifiers: Orphanet 886, MedGen CN469326, MeSH D052245, MONDO:0019501. Disease mechanism: loss of function.
Retinal dystrophy. Also called: Inherited retinal dystrophy. Identifiers: Orphanet 71862, MedGen C0854723, MeSH D058499, MONDO:0019118, HP:0000556.
Usher syndrome type 2C. Also called: Usher syndrome, type 2B; USHER SYNDROME, TYPE IIC. Identifiers: Orphanet 231178, Orphanet 886, MedGen C2931213, MONDO:0011558, OMIM 605472.

Allele frequency attached by ClinVar (database versions not stated): 1000 Genomes Project 30x 0.00375; 1000 Genomes Project 0.00399; TOPMed 0.00597; gnomAD 0.00655 and 0.00668; gnomAD exomes 0.00971 and 0.00639; ExAC 0.00637; ESP Exome Variant Server 0.00880.
gnomAD v4.1: 15,061 of 1,609,410 alleles (0.94%); highest among the groups gnomAD compares: Non-Finnish European, 1.1%; 95 homozygotes.

Submissions (17):

CeGaT Center for Human Genetics Tuebingen
Classification: Benign. Last evaluated: 2026-09-01. Review status: criteria provided, single submitter. Criteria: CeGaT Center For Human Genetics Tuebingen Variant Classification Criteria Version 2. Collection method: clinical testing. Allele origin: germline. Affected: yes. Observed: 19 variant alleles.
Comment: ADGRV1: BP4, BS1, BS2

Labcorp Genetics (formerly Invitae), Labcorp
Classification: Benign. Last evaluated: 2026-02-03. Review status: criteria provided, single submitter. Criteria: Invitae Variant Classification Sherloc (09022015). Collection method: clinical testing. Allele origin: germline.

Women's Health and Genetics/Laboratory Corporation of America, LabCorp
Classification: Benign. Last evaluated: 2025-08-25. Review status: criteria provided, single submitter. Criteria: LabCorp Variant Classification Summary - May 2015. Collection method: clinical testing. Allele origin: germline.
Comment: Variant summary: ADGRV1 c.746G>A (p.Arg249Lys) results in a conservative amino acid change in the encoded protein sequence. Algorithms developed to predict the effect of missense changes on protein structure and function all suggest that this variant is likely to be tolerated. The variant allele was found at a frequency of 0.0094 in 1602458 control chromosomes, predominantly at a frequency of 0.011 within the Non-Finnish European subpopulation in the gnomAD database, including 83 homozygotes. The observed variant frequency within Non-Finnish European control individuals in the gnomAD database exceeds the estimated maximal expected allele frequency for disease-causing variants in ADGRV1. The variant, c.746G>A, has been observed in compound heterozygous state in one individual with symptoms suggestive of Usher Syndrome, and was subsequently cited in several other papers (e.g. Carss_2017, Turro_2020, Zhou_2022, Daich Varela_2023). These report(s) do not provide unequivocal conclusions about association of the variant with Usher Syndrome. To our knowledge, no experimental evidence demonstrating an impact on protein function has been reported. The following publications have been ascertained in the context of this evaluation (PMID: 28041643, 32420686, 33089500, 32581362, 35813073, 37422204). ClinVar contains an entry for this variant (Variation ID: 46374). Based on the evidence outlined above, the variant was classified as benign.

Illumina Laboratory Services, Illumina
Classification: Benign for Usher syndrome type 2C. Last evaluated: 2025-04-08. Review status: criteria provided, single submitter. Criteria: ICSLVariantClassificationCriteria RUGD 01 April 2020. Collection method: clinical testing. Allele origin: unknown.

Blueprint Genetics
Classification: Likely benign. Last evaluated: 2024-11-26. Review status: criteria provided, single submitter. Criteria: ACMG Guidelines, 2015. Collection method: clinical testing. Allele origin: germline.

ARUP Laboratories, Molecular Genetics and Genomics, ARUP Laboratories
Classification: Likely benign. Last evaluated: 2023-08-09. Review status: criteria provided, single submitter. Criteria: ARUP Molecular Germline Variant Investigation Process 2024. Collection method: clinical testing. Allele origin: germline.

GeneDx
Classification: Benign. Last evaluated: 2018-12-19. Review status: criteria provided, single submitter. Criteria: GeneDx Variant Classification Process June 2021. Collection method: clinical testing. Allele origin: germline. Affected: yes.
Comment: This variant is associated with the following publications: (PMID: 28041643, 32581362)

Athena Diagnostics
Classification: Benign. Last evaluated: 2018-01-19. Review status: criteria provided, single submitter. Criteria: Athena Diagnostics Criteria. Collection method: clinical testing. Allele origin: germline.

Eurofins Ntd Llc (ga)
Classification: Benign. Last evaluated: 2016-09-19. Review status: criteria provided, single submitter. Criteria: EGL Classification Definitions 2015. Collection method: clinical testing. Allele origin: germline. Observed: 3 variant alleles, 2 heterozygotes.

Center for Pediatric Genomic Medicine, Children's Mercy Hospital and Clinics
Classification: Likely benign. Last evaluated: 2016-06-21. Review status: criteria provided, single submitter. Criteria: ACMG Guidelines, 2015. Collection method: clinical testing. Allele origin: germline.
ClinVar note: Converted during submission from Likely Benign to Likely benign.

Laboratory for Molecular Medicine, Mass General Brigham Personalized Medicine
Classification: Benign. Last evaluated: 2012-03-26. Review status: criteria provided, single submitter. Criteria: LMM Criteria. Collection method: clinical testing. Allele origin: germline. Observed: 33 variant alleles.
Comment: Arg249Lys in exon 7 of GPR98: This variant is not expected to have clinical sign ificance because it has been identified in 1.17% (77/6554) of European American chromosomes and 0.17% (5/2954) of African American chromosomes in a broad popula tion by the NHLBI Exome sequencing project (d bSNP rs41303344).

NIHR Bioresource Rare Diseases, University of Cambridge
Classification: Likely pathogenic for Usher syndrome. Last evaluated: 2015-01-01. Review status: no assertion criteria provided. Collection method: research. Allele origin: unknown. Affected: yes. Observed: 1 variant allele. Not counted in ClinVar's aggregate classification.

Clinical Genetics DNA and cytogenetics Diagnostics Lab, Erasmus MC, Erasmus Medical Center
Classification: Likely benign. Review status: no assertion criteria provided. Collection method: clinical testing. Allele origin: germline. Affected: yes. Study: VKGL Data-share Consensus. Not counted in ClinVar's aggregate classification.

Clinical Genetics, Academic Medical Center
Classification: Benign. Review status: no assertion criteria provided. Collection method: clinical testing. Allele origin: germline. Affected: yes. Study: VKGL Data-share Consensus. Not counted in ClinVar's aggregate classification.

Genetic Services Laboratory, University of Chicago
Classification: Likely benign. Review status: no assertion criteria provided. Collection method: clinical testing. Allele origin: germline. Inheritance: Autosomal dominant inheritance. Not counted in ClinVar's aggregate classification.
Comment: Likely benign based on allele frequency in 1000 Genomes Project or ESP global frequency and its presence in a patient with a rare or unrelated disease phenotype. NOT Sanger confirmed

Genome Diagnostics Laboratory, University Medical Center Utrecht
Classification: Likely benign. Review status: no assertion criteria provided. Collection method: clinical testing. Allele origin: germline. Affected: yes. Study: VKGL Data-share Consensus. Not counted in ClinVar's aggregate classification.

Institute of Human Genetics, Univ. Regensburg, Univ. Regensburg
Classification: Uncertain significance for Retinal dystrophy. Last evaluated: 2023-01-01. Review status: flagged submission. Criteria: ACMG Guidelines, 2015. Collection method: clinical testing. Allele origin: germline. Affected: yes. Not counted in ClinVar's aggregate classification.
ClinVar note: Reason: Outlier claim with insufficient supporting evidence

Literature cited by the submitters: PubMed 28041643 (cited by 3 submitters); PubMed 32581362 (cited by Women's Health and Genetics/Laboratory Corporation of America, LabCorp); PubMed 33089500 (cited by Women's Health and Genetics/Laboratory Corporation of America, LabCorp); PubMed 35813073 (cited by Women's Health and Genetics/Laboratory Corporation of America, LabCorp); PubMed 32420686 (cited by Women's Health and Genetics/Laboratory Corporation of America, LabCorp); PubMed 37422204 (cited by Women's Health and Genetics/Laboratory Corporation of America, LabCorp); PubMed 3258136 (cited by Institute of Human Genetics, Univ. Regensburg, Univ. Regensburg).

NM_032119.4(ADGRV1):c.746G>A (p.Arg249Lys)

Gene: ADGRV1 (adhesion G protein-coupled receptor V1; plus strand). Cytogenetic location: 5q14.3.
Variant type: single nucleotide variant.
Coding change: c.746G>A on transcript NM_032119.4 (MANE Select); coding-DNA position 746, G replaced by A.
Protein change: p.Arg249Lys; replaces arginine 249 with lysine.
Molecular consequence: missense variant. On other transcripts: non-coding transcript variant (1).
Genome position (GRCh38, 1-based): chr5:90,627,284, G>A. VCF-style: chr5-90627284-G-A. GRCh37 (hg19) VCF-style: chr5-89923101-G-A.
Other names: p.R249K:AGG>AAG; short protein forms R249K.
Identifiers: ClinVar variation 46374 (VCV000046374.68), dbSNP rs41303344, ClinGen allele CA138214.